The following is an entry in ClinVar:

ClinVar aggregate classification (germline): Uncertain significance. Review status: criteria provided, single submitter (1 of 4 stars). 2 submissions from 2 submitters: Uncertain significance (1). 1 of the submissions does not count toward it. Last evaluated 2022-07-12.

Conditions:
Anauxetic dysplasia. Identifiers: Orphanet 93347, MedGen C1846796, MONDO:0011773.
Metaphyseal chondrodysplasia, McKusick type (CHH). Also called: Cartilage-hair hypoplasia; Cartilage-Hair Hypoplasia (CHH). Identifiers: Orphanet 175, MedGen C0220748, MONDO:0009595, OMIM 250250.

Allele frequency attached by ClinVar (database versions not stated): gnomAD exomes 0.00002; TOPMed 0.00002; 1000 Genomes Project 30x 0.00016; 1000 Genomes Project 0.00020.
gnomAD v4.1: 11 of 694,354 alleles (0.0016%); highest among the groups gnomAD compares: East Asian, 0.013%; no homozygotes.

Submissions (2):

Labcorp Genetics (formerly Invitae), Labcorp
Classification: Uncertain significance for Anauxetic dysplasia. Last evaluated: 2022-07-12. Review status: criteria provided, single submitter. Criteria: Invitae Variant Classification Sherloc (09022015). Collection method: clinical testing. Allele origin: germline.
Comment: This variant occurs in the RMRP gene, which encodes an RNA molecule that does not result in a protein product. This variant is present in population databases (rs370797103, gnomAD 0.02%). This variant has not been reported in the literature in individuals affected with RMRP-related conditions. ClinVar contains an entry for this variant (Variation ID: 572086). Experimental studies and prediction algorithms are not available or were not evaluated, and the functional significance of this variant is currently unknown. In summary, the available evidence is currently insufficient to determine the role of this variant in disease. Therefore, it has been classified as a Variant of Uncertain Significance.

Natera, Inc.
Classification: Uncertain significance for Cartilage-hair hypoplasia. Last evaluated: 2019-11-11. Review status: no assertion criteria provided. Collection method: clinical testing. Allele origin: germline. Not counted in ClinVar's aggregate classification.

NR_003051.4(RMRP):n.163C>T

Gene: RMRP (RNA component of mitochondrial RNA processing endoribonuclease; minus strand). Cytogenetic location: 9p13.3.
Variant type: single nucleotide variant.
Genome position: GRCh38 VCF-style: chr9-35657857-G-A. GRCh37 (hg19) VCF-style: chr9-35657854-G-A.
Identifiers: ClinVar variation 572086 (VCV000572086.4), dbSNP rs370797103, ClinGen allele CA192745592.